The following is an entry in ClinVar:

ClinVar aggregate classification (germline): Uncertain significance. Review status: criteria provided, multiple submitters, no conflicts (2 of 4 stars). 2 submissions from 2 submitters: Uncertain significance (2). Last evaluated 2024-11-12.

Conditions:
Autosomal recessive limb-girdle muscular dystrophy type 2L (LGMDR12). Also called: MUSCULAR DYSTROPHY, LIMB-GIRDLE, AUTOSOMAL RECESSIVE 12; Limb-Girdle Muscular Dystrophy R12 Anoctamin-5-Related (LGMD-R12); Limb-girdle muscular dystrophy, type 2L. Identifiers: Orphanet 206549, MedGen C1969785, MONDO:0012652, OMIM 611307.
Gnathodiaphyseal dysplasia (GDD). Also called: GNATHODIAPHYSEAL SCLEROSIS; OSTEOGENESIS IMPERFECTA WITH UNUSUAL SKELETAL LESIONS. Identifiers: Orphanet 53697, MedGen C1833736, MONDO:0008151, OMIM 166260.

gnomAD v4.1: 3 of 1,614,124 alleles (0.00019%); highest among the groups gnomAD compares: East Asian, 0.0067%; no homozygotes.

Submissions (2):

Labcorp Genetics (formerly Invitae), Labcorp
Classification: Uncertain significance for Autosomal recessive limb-girdle muscular dystrophy type 2L; Gnathodiaphyseal dysplasia. Last evaluated: 2024-11-12. Review status: criteria provided, single submitter. Criteria: Invitae Variant Classification Sherloc (09022015). Collection method: clinical testing. Allele origin: germline.
Comment: This sequence change replaces isoleucine, which is neutral and non-polar, with threonine, which is neutral and polar, at codon 727 of the ANO5 protein (p.Ile727Thr). This variant is present in population databases (rs753732115, gnomAD 0.01%). This variant has not been reported in the literature in individuals affected with ANO5-related conditions. Invitae Evidence Modeling of protein sequence and biophysical properties (such as structural, functional, and spatial information, amino acid conservation, physicochemical variation, residue mobility, and thermodynamic stability) indicates that this missense variant is expected to disrupt ANO5 protein function with a positive predictive value of 95%. In summary, the available evidence is currently insufficient to determine the role of this variant in disease. Therefore, it has been classified as a Variant of Uncertain Significance.

Mayo Clinic Laboratories, Mayo Clinic
Classification: Uncertain significance. Last evaluated: 2023-10-09. Review status: criteria provided, single submitter. Criteria: ACMG Guidelines, 2015. Collection method: clinical testing. Allele origin: germline. Observed: 1 variant allele.
Comment: PP3

NM_213599.3(ANO5):c.2180T>C (p.Ile727Thr)

Gene: ANO5 (anoctamin 5; plus strand). Cytogenetic location: 11p14.3.
Variant type: single nucleotide variant.
Coding change: c.2180T>C on transcript NM_213599.3 (MANE Select); coding-DNA position 2180, T replaced by C.
Protein change: p.Ile727Thr; replaces isoleucine 727 with threonine.
Molecular consequence: missense variant.
Genome position (GRCh38, 1-based): chr11:22,272,934, T>C. VCF-style: chr11-22272934-T-C. GRCh37 (hg19) VCF-style: chr11-22294480-T-C.
Other names: p.Ile727Thr; c.2177T>C, p.Ile726Thr (NM_001142649.2); c.2138T>C, p.Ile713Thr (NM_001410963.1); c.2135T>C, p.Ile712Thr (NM_001410964.1); short protein forms I712T, I713T, I726T, I727T.
Identifiers: ClinVar variation 3380013 (VCV003380013.3).